The following is an entry in ClinVar:

NM_000059.4(BRCA2):c.3866_3869del (p.Lys1289fs)

Gene: BRCA2 (BRCA2 DNA repair associated; plus strand). Cytogenetic location: 13q13.1.
Variant type: Deletion.
Coding change: c.3866_3869del on transcript NM_000059.4 (MANE Select); coding-DNA positions 3866 to 3869, 4 bases deleted (AATG; older notation c.3866_3869delAATG).
Protein change: p.Lys1289fs; shifts the reading frame from lysine 1289.
Molecular consequence: frameshift variant.
Genome position (GRCh38, 1-based): chr13:32,338,221-32,338,224, AATG deleted. VCF-style (leftmost placement, unchanged base first): chr13-32338220-AAATG-A. GRCh37 (hg19) VCF-style: chr13-32912357-AAATG-A.
Other names: 4094del4-ter1291; short protein forms K1289fs.
Identifiers: ClinVar variation 266778 (VCV000266778.5), dbSNP rs886040501, ClinGen allele CA10589228.

ClinVar aggregate classification (germline): Pathogenic. Review status: reviewed by expert panel (3 of 4 stars). 2 submissions from 2 submitters: Pathogenic (1). 1 of the submissions does not count toward it. Last evaluated 2016-10-18.

Conditions:
Breast-ovarian cancer, familial, susceptibility to, 2 (BROVCA2). Also called: BRCA2 Hereditary Breast and Ovarian Cancer. Identifiers: Orphanet 145, MedGen C2675520, MONDO:0012933, OMIM 612555. Disease mechanism: loss of function.

Submissions (2):

Evidence-based Network for the Interpretation of Germline Mutant Alleles (ENIGMA)
Classification: Pathogenic for Breast-ovarian cancer, familial, susceptibility to, 2. Last evaluated: 2016-10-18. Review status: reviewed by expert panel. Criteria: ENIGMA BRCA1/2 Classification Criteria (2015). Collection method: curation. Allele origin: germline.
Comment: Variant allele predicted to encode a truncated non-functional protein.

Consortium of Investigators of Modifiers of BRCA1/2 (CIMBA), c/o University of Cambridge
Classification: Pathogenic for Breast-ovarian cancer, familial, susceptibility to, 2. Last evaluated: 2015-10-02. Review status: criteria provided, single submitter. Criteria: CIMBA Mutation Classification guidelines May 2016. Collection method: clinical testing. Allele origin: germline. Not counted in ClinVar's aggregate classification.